The following is an entry in ClinVar:

ClinVar aggregate classification (germline): Conflicting classifications of pathogenicity. Review status: criteria provided, conflicting classifications (1 of 4 stars). 2 submissions from 2 submitters: Likely pathogenic (1); Uncertain significance (1). Last evaluated 2026-10-01.

Conditions:
Deficiency of UDPglucose-hexose-1-phosphate uridylyltransferase. Also called: GALACTOSE-1-PHOSPHATE URIDYLYLTRANSFERASE DEFICIENCY; GALT deficiency; Galactosemia, classic; Transferase Deficiency Galactosemia; GALACTOSEMIA I. Identifiers: Orphanet 352, Orphanet 79239, MedGen C0268151, MONDO:0009258, OMIM 230400.

Submissions (2):

Laboratorio de Biologia Molecular - Genetica, Hospital de Pediatria Garrahan
Classification: Likely pathogenic for Deficiency of UDPglucose-hexose-1-phosphate uridylyltransferase. Last evaluated: 2026-10-01. Review status: criteria provided, single submitter. Criteria: ACMG Guidelines, 2015. Collection method: clinical testing. Allele origin: germline. Affected: yes. Observed: 4 variant alleles.
Comment: This sequence change replaces glutamic acid, which is acidic and polar, with lysine, which is basic and polar, at codon 230 of the GALT protein (p.Glu230Lys). This variant is present in population databases at an extremely low frequency (gnomAD <0.001%) (PM2_supporting). ClinVar contains an entry for this variant (VCV005003364.1). This variant is predicted to be deleterious by computational evidence, with a REVEL score of 0.74 (PP3). This variant has been detected in compound heterozygous state with other pathogenic variants in GALT gene in four Argentinean individuals with positive newborn screening for galactosemia (phase confirmed in two of them) (PMID: 33335841, internal data) (PM3_strong). In 3 of these individuals, GALT activity was measured and ranged between 13% and 32% of normal activity, consistent with Biochemical Galactosemia. Analysis of RNA from an individual carrying the c.688G>A variant showed partial skipping of exon 9 of the GALT gene (PMID: 33335841). Based on the available evidence, this alteration is considered a mild allele, and is classified as likely pathogenic for Biochemical Galactosemia.

Myriad Genetics, Inc.
Classification: Uncertain significance for Deficiency of UDPglucose-hexose-1-phosphate uridylyltransferase. Last evaluated: 2025-09-23. Review status: criteria provided, single submitter. Criteria: Myriad Autosomal Dominant, Autosomal Recessive and X-Linked Classification Criteria (2023). Collection method: clinical testing. Allele origin: unknown.
Comment: NM_000155.3(GALT):c.688G>A(E230K) is a missense variant classified as a variant of uncertain significance in the context of galactosemia. E230K has been observed in cases with relevant disease (PMID: 33335841). Relevant functional assessments of this variant are available in the literature (PMID: 33335841). E230K has not been observed in referenced population frequency databases. In summary, there is insufficient evidence to classify NM_000155.3(GALT):c.688G>A(E230K) as pathogenic or benign. Please note: this variant was assessed in the context of healthy population screening.

Literature cited by the submitters: PubMed 33335841 (cited by Laboratorio de Biologia Molecular - Genetica, Hospital de Pediatria Garrahan and Myriad Genetics, Inc.).

NM_000155.4(GALT):c.688G>A (p.Glu230Lys)

Gene: GALT (galactose-1-phosphate uridylyltransferase; plus strand). Cytogenetic location: 9p13.3.
Variant type: single nucleotide variant.
Coding change: c.688G>A on transcript NM_000155.4 (MANE Select); coding-DNA position 688, G replaced by A.
Protein change: p.Glu230Lys; replaces glutamic acid 230 with lysine.
Molecular consequence: missense variant.
Genome position (GRCh38, 1-based): chr9:34,648,762, G>A. VCF-style: chr9-34648762-G-A. GRCh37 (hg19) VCF-style: chr9-34648759-G-A.
Other names: c.361G>A, p.Glu121Lys (NM_001258332.2); short protein forms E230K, E121K.
Identifiers: ClinVar variation 5003364 (VCV005003364.2).